The following is an entry in ClinVar:

NM_014991.6(WDFY3):c.3877A>C (p.Ser1293Arg)

Gene: WDFY3 (WD repeat and FYVE domain containing 3; minus strand). Cytogenetic location: 4q21.23.
Variant type: single nucleotide variant.
Coding change: c.3877A>C on transcript NM_014991.6 (MANE Select); coding-DNA position 3877, A replaced by C.
Protein change: p.Ser1293Arg; replaces serine 1293 with arginine.
Molecular consequence: missense variant.
Genome position (GRCh38, 1-based): chr4:84,787,506, T>G on the plus strand (A>C on the coding strand, the complement: WDFY3 is on the minus strand). VCF-style: chr4-84787506-T-G. GRCh37 (hg19) VCF-style: chr4-85708659-T-G.
Other names: short protein forms S1293R.
Identifiers: ClinVar variation 2112856 (VCV002112856.4), dbSNP rs2533524053, ClinGen allele CA357555020.

ClinVar aggregate classification (germline): Pathogenic (1 of 4 stars; one submission).

Submission:

Labcorp Genetics (formerly Invitae), Labcorp
Classification: Pathogenic. Last evaluated: 2022-09-28. Review status: criteria provided, single submitter. Criteria: Invitae Variant Classification Sherloc (09022015). Collection method: clinical testing. Allele origin: germline.
Comment: This variant is not present in population databases (gnomAD no frequency). This sequence change replaces serine, which is neutral and polar, with arginine, which is basic and polar, at codon 1293 of the WDFY3 protein (p.Ser1293Arg). This missense change has been observed in individual(s) with clinical features of a neurodevelopmental disorder (Invitae). In at least one individual the variant was observed to be de novo. For these reasons, this variant has been classified as Pathogenic. Advanced modeling of protein sequence and biophysical properties (such as structural, functional, and spatial information, amino acid conservation, physicochemical variation, residue mobility, and thermodynamic stability) performed at Invitae indicates that this missense variant is expected to disrupt WDFY3 protein function.